The following is an entry in ClinVar:

NM_014141.6(CNTNAP2):c.1777+54C>T

Gene: CNTNAP2 (contactin associated protein 2; plus strand). Cytogenetic location: 7q35.
Variant type: single nucleotide variant.
Coding change: c.1777+54C>T on transcript NM_014141.6 (MANE Select); 54 bases into the intron after coding-DNA position 1777, C replaced by T.
Molecular consequence: intron variant.
Genome position (GRCh38, 1-based): chr7:147,486,095, C>T. VCF-style: chr7-147486095-C-T. GRCh37 (hg19) VCF-style: chr7-147183187-C-T.
Identifiers: ClinVar variation 673177 (VCV000673177.2), dbSNP rs2286126, ClinGen allele CA168734903.

ClinVar aggregate classification (germline): Benign. Review status: criteria provided, multiple submitters, no conflicts (2 of 4 stars). 2 submissions from 2 submitters: Benign (2). Last evaluated 2018-06-14.

Allele frequency attached by ClinVar (database versions not stated): gnomAD exomes 0.00705; gnomAD 0.03446 and 0.03594; 1000 Genomes Project 0.03754; 1000 Genomes Project 30x 0.03779; TOPMed 0.04175.
gnomAD v4.1: 14,865 of 1,489,460 alleles (1%); highest among the groups gnomAD compares: African/African-American, 9.6%; 592 homozygotes.

Submissions (2):

GeneDx
Classification: Benign. Last evaluated: 2018-06-14. Review status: criteria provided, single submitter. Criteria: GeneDx Variant Classification (06012015). Collection method: clinical testing. Allele origin: germline. Affected: yes.
Comment: This variant is considered likely benign or benign based on one or more of the following criteria: it is a conservative change, it occurs at a poorly conserved position in the protein, it is predicted to be benign by multiple in silico algorithms, and/or has population frequency not consistent with disease.

Breakthrough Genomics
Classification: Benign. Review status: criteria provided, single submitter. Criteria: ACMG Guidelines, 2015. Collection method: not provided. Allele origin: germline. Inheritance: Autosomal recessive inheritance. Affected: yes.